The following is an entry in ClinVar:

ClinVar aggregate classification (germline): Likely pathogenic (1 of 4 stars; one submission).

Conditions:
Autosomal recessive polycystic kidney disease (ARPKD). Also called: AR polycystic kidney disease. Identifiers: Orphanet 731, Orphanet 8378, MedGen C0085548, MeSH D017044, MONDO:0009889.

Submission:

Natera, Inc.
Classification: Likely pathogenic for Autosomal recessive polycystic kidney disease. Last evaluated: 2025-06-02. Review status: criteria provided, single submitter. Criteria: Natera Variant Classification Schema (03/2026). Collection method: clinical testing. Allele origin: germline.
Comment: The c.1398del variant in PKHD1 is a frameshift variant predicted to shift the reading frame and introduce a stop codon. This variant is expected to result in nonsense mediated decay, truncation, or a dysfunctional protein product. This variant is rare in the general population with a frequency below the threshold expected for the associated phenotype(s). Given the available evidence, this variant is classified as Likely Pathogenic.

NM_138694.4(PKHD1):c.1398del (p.Gly466_Met467insTer)

Gene: PKHD1 (PKHD1 ciliary IPT domain containing fibrocystin/polyductin; minus strand). Cytogenetic location: 6p12.2.
Variant type: Deletion.
Coding change: c.1398del on transcript NM_138694.4 (MANE Select); coding-DNA position 1398, one base deleted (G; older notation c.1398delG).
Protein change: p.Gly466_Met467insTer.
Molecular consequence: frameshift variant.
Genome position (GRCh38, 1-based): chr6:52,058,437, C deleted on the plus strand (G on the coding strand, the reverse complement: PKHD1 is on the minus strand); the first of 5 consecutive C bases (chr6:52,058,437-52,058,441); deleting any one gives the same sequence. VCF-style (leftmost placement, unchanged base first): chr6-52058436-TC-T. GRCh37 (hg19) VCF-style: chr6-51923234-TC-T.
Other names: c.1398del, p.Gly466_Met467insTer (NM_170724.3).
Identifiers: ClinVar variation 4816580 (VCV004816580.1).